The following is an entry in ClinVar:

ClinVar aggregate classification (germline): Likely benign (0 of 4 stars; one submission).

Conditions:
PRG4-related disorder. Also called: PRG4-related condition.

Allele frequency attached by ClinVar (database versions not stated): gnomAD exomes 0.00002; ExAC 0.00006; ESP Exome Variant Server 0.00008; TOPMed 0.00025; gnomAD 0.00026.
gnomAD v4.1: 74 of 1,613,484 alleles (0.0046%); highest among the groups gnomAD compares: African/African-American, 0.082%; no homozygotes.

Submission:

PreventionGenetics, part of Exact Sciences
Classification: Likely benign for PRG4-related condition. Last evaluated: 2023-10-18. Review status: no assertion criteria provided. Collection method: clinical testing. Allele origin: germline.
Comment: This variant is classified as likely benign based on ACMG/AMP sequence variant interpretation guidelines (Richards et al. 2015 PMID: 25741868, with internal and published modifications).

NM_005807.6(PRG4):c.720C>T (p.Thr240=)

Gene: PRG4 (proteoglycan 4; plus strand). Cytogenetic location: 1q31.1.
Variant type: single nucleotide variant.
Coding change: c.720C>T on transcript NM_005807.6 (MANE Select); coding-DNA position 720, C replaced by T.
Protein change: p.Thr240=; no amino-acid change (threonine 240 retained).
Molecular consequence: synonymous variant.
Genome position (GRCh38, 1-based): chr1:186,306,439, C>T. VCF-style: chr1-186306439-C-T. GRCh37 (hg19) VCF-style: chr1-186275571-C-T.
Other names: c.597C>T, p.Thr199= (NM_001127708.3); c.441C>T, p.Thr147= (NM_001127709.3); c.318C>T, p.Thr106= (NM_001127710.3); c.591C>T, p.Thr197= (NM_001303232.2).
Identifiers: ClinVar variation 3036604 (VCV003036604.2), dbSNP rs375074991, ClinGen allele CA1295932.